The following is an entry in ClinVar:

NM_182916.3(TRNT1):c.946G>A (p.Ala316Thr)

Gene: TRNT1 (tRNA nucleotidyl transferase 1; plus strand). Cytogenetic location: 3p26.2.
Variant type: single nucleotide variant.
Coding change: c.946G>A on transcript NM_182916.3 (MANE Select); coding-DNA position 946, G replaced by A.
Protein change: p.Ala316Thr; replaces alanine 316 with threonine.
Molecular consequence: missense variant. On other transcripts: non-coding transcript variant (8).
Genome position (GRCh38, 1-based): chr3:3,147,593, G>A. VCF-style: chr3-3147593-G-A. GRCh37 (hg19) VCF-style: chr3-3189277-G-A.
Other names: c.886G>A, p.Ala296Thr (NM_001302946.2); c.946G>A, p.Ala316Thr (NM_001367321.1, NM_001367322.1, NM_001367323.1); short protein forms A296T, A316T.
Identifiers: ClinVar variation 842505 (VCV000842505.7), dbSNP rs753967295, ClinGen allele CA2228831.
Genomic context (GRCh38, chr3:3,147,593, plus strand): 5'-TTGGCCTCATTATTCAAAGTACAAGATGATGTCACAAAATTGGATTTGAGGTTGAAGATC[G>A]CAAAAGAGGAGAAAAACCTTGGCTTATTTATAGTTAAAAATAGGAAAGATTTAATTAAAG-3'
Protein context (NP_886552.3, residues 306-326): VTKLDLRLKI[Ala316Thr]KEEKNLGLFI

ClinVar aggregate classification (germline): Uncertain significance. Review status: criteria provided, multiple submitters, no conflicts (2 of 4 stars). 2 submissions from 2 submitters: Uncertain significance (2). Last evaluated 2025-03-20.

Conditions:
Congenital sideroblastic anemia-B-cell immunodeficiency-periodic fever-developmental delay syndrome. Also called: Sideroblastic anemia with B-cell immunodeficiency, periodic fevers, and developmental delay. Identifiers: Orphanet 369861, MedGen C4015172, MONDO:0014487, OMIM 616084.
Inborn genetic diseases. Identifiers: MedGen C0950123, MeSH D030342.

Allele frequency attached by ClinVar (database versions not stated): TOPMed below 0.00001; ExAC 0.00001; gnomAD 0.00001; gnomAD exomes 0.00001.

Submissions (2):

Ambry Genetics
Classification: Uncertain significance for Inborn genetic diseases. Last evaluated: 2025-03-20. Review status: criteria provided, single submitter. Criteria: Ambry Variant Classification Scheme 2023. Collection method: clinical testing. Allele origin: germline.

Labcorp Genetics (formerly Invitae), Labcorp
Classification: Uncertain significance for Congenital sideroblastic anemia-B-cell immunodeficiency-periodic fever-developmental delay syndrome. Last evaluated: 2024-02-24. Review status: criteria provided, single submitter. Criteria: Invitae Variant Classification Sherloc (09022015). Collection method: clinical testing. Allele origin: germline.
Comment: This sequence change replaces alanine, which is neutral and non-polar, with threonine, which is neutral and polar, at codon 316 of the TRNT1 protein (p.Ala316Thr). This variant is present in population databases (rs753967295, gnomAD 0.003%). This variant has not been reported in the literature in individuals affected with TRNT1-related conditions. ClinVar contains an entry for this variant (Variation ID: 842505). Advanced modeling of protein sequence and biophysical properties (such as structural, functional, and spatial information, amino acid conservation, physicochemical variation, residue mobility, and thermodynamic stability) performed at Invitae indicates that this missense variant is not expected to disrupt TRNT1 protein function with a negative predictive value of 80%. In summary, the available evidence is currently insufficient to determine the role of this variant in disease. Therefore, it has been classified as a Variant of Uncertain Significance.